The following is an entry in ClinVar:

NM_000168.6(GLI3):c.45del (p.Val16fs)

Gene: GLI3 (GLI family zinc finger 3; minus strand). Cytogenetic location: 7p14.1.
Variant type: Deletion.
Coding change: c.45del on transcript NM_000168.6 (MANE Select); coding-DNA position 45, one base deleted (A; older notation c.45delA).
Protein change: p.Val16fs; shifts the reading frame from valine 16.
Molecular consequence: frameshift variant.
Genome position (GRCh38, 1-based): chr7:42,223,209, T deleted on the plus strand (A on the coding strand, the reverse complement: GLI3 is on the minus strand); the first of 6 consecutive T bases (chr7:42,223,209-42,223,214); deleting any one gives the same sequence. VCF-style (leftmost placement, unchanged base first): chr7-42223208-CT-C. GRCh37 (hg19) VCF-style: chr7-42262807-CT-C.
Other names: short protein forms V16fs.
Identifiers: ClinVar variation 3026942 (VCV003026942.22), dbSNP rs2485264036, ClinGen allele CA2682514337.
Genomic context (GRCh38, chr7:42,223,208, plus strand): 5'-AGGCAACGGCTTTCTCGCTCACATCTGTTCGAGTGGAGCACTTCACTATGGAATTCTCAA[CT>C]TTTTTCTTTTCAGTGGTCGTGGAGCTGTGGGACTGGGCCTCCATGATGTCTTCTCATTAC-3'

ClinVar aggregate classification (germline): Pathogenic (1 of 4 stars; one submission).

Submission:

CeGaT Center for Human Genetics Tuebingen
Classification: Pathogenic. Last evaluated: 2024-01-01. Review status: criteria provided, single submitter. Criteria: CeGaT Center For Human Genetics Tuebingen Variant Classification Criteria Version 2. Collection method: clinical testing. Allele origin: germline. Affected: yes. Observed: 1 variant allele.
Comment: GLI3: PVS1, PM2